The following is an entry in ClinVar:

ClinVar aggregate classification (germline): Uncertain significance (1 of 4 stars; one submission).

Submission:

Labcorp Genetics (formerly Invitae), Labcorp
Classification: Uncertain significance. Last evaluated: 2025-06-22. Review status: criteria provided, single submitter. Criteria: Invitae Variant Classification Sherloc (09022015). Collection method: clinical testing. Allele origin: germline.
Comment: This sequence change replaces glutamine, which is neutral and polar, with glutamic acid, which is acidic and polar, at codon 667 of the WFS1 protein (p.Gln667Glu). This variant is not present in population databases (gnomAD no frequency). This variant has not been reported in the literature in individuals affected with WFS1-related conditions. Invitae Evidence Modeling of protein sequence and biophysical properties (such as structural, functional, and spatial information, amino acid conservation, physicochemical variation, residue mobility, and thermodynamic stability) indicates that this missense variant is not expected to disrupt WFS1 protein function with a negative predictive value of 95%. In summary, the available evidence is currently insufficient to determine the role of this variant in disease. Therefore, it has been classified as a Variant of Uncertain Significance.

NM_006005.3(WFS1):c.1999C>G (p.Gln667Glu)

Gene: WFS1 (wolframin ER transmembrane glycoprotein; plus strand). Cytogenetic location: 4p16.1.
Variant type: single nucleotide variant.
Coding change: c.1999C>G on transcript NM_006005.3 (MANE Select); coding-DNA position 1999, C replaced by G.
Protein change: p.Gln667Glu; replaces glutamine 667 with glutamic acid.
Molecular consequence: missense variant.
Genome position (GRCh38, 1-based): chr4:6,301,794, C>G. VCF-style: chr4-6301794-C-G. GRCh37 (hg19) VCF-style: chr4-6303521-C-G.
Other names: c.1999C>G, p.Gln667Glu (NM_001145853.1); short protein forms Q667E.
Identifiers: ClinVar variation 4739376 (VCV004739376.1).